The following is an entry in ClinVar:

ClinVar aggregate classification (germline): Benign/Likely benign. Review status: criteria provided, multiple submitters, no conflicts (2 of 4 stars). 4 submissions from 4 submitters: Benign (1); Likely benign (3). Last evaluated 2025-01-12.

Conditions:
Prostate cancer, hereditary, 9 (HPC9). Identifiers: Orphanet 1331, MedGen C1970250, MONDO:0012597, OMIM 610997.
Hereditary cancer-predisposing syndrome. Also called: Tumor predisposition; Hereditary Cancer Syndrome; Neoplastic Syndromes, Hereditary; Hereditary neoplastic syndrome. Identifiers: Orphanet 140162, MedGen C0027672, MeSH D009386, MONDO:0015356.

Allele frequency attached by ClinVar (database versions not stated): gnomAD exomes below 0.00001.
gnomAD v4.1: 2 of 1,613,214 alleles (0.00012%); highest among the groups gnomAD compares: Non-Finnish European, 0.00017%; no homozygotes.

Submissions (4):

Quest Diagnostics Nichols Institute San Juan Capistrano
Classification: Likely benign. Last evaluated: 2025-01-12. Review status: criteria provided, single submitter. Criteria: Quest Diagnostics criteria. Collection method: clinical testing. Allele origin: unknown.

Myriad Genetics, Inc.
Classification: Benign for Prostate cancer, hereditary, 9. Last evaluated: 2024-10-29. Review status: criteria provided, single submitter. Criteria: Myriad Autosomal Dominant, Autosomal Recessive and X-Linked Classification Criteria (2023). Collection method: clinical testing. Allele origin: unknown.
Comment: This variant is considered benign. This variant is a silent/synonymous amino acid change and it is not expected to impact splicing.

Labcorp Genetics (formerly Invitae), Labcorp
Classification: Likely benign. Last evaluated: 2023-12-23. Review status: criteria provided, single submitter. Criteria: Invitae Variant Classification Sherloc (09022015). Collection method: clinical testing. Allele origin: germline.

Ambry Genetics
Classification: Likely benign for Hereditary cancer-predisposing syndrome. Last evaluated: 2018-07-30. Review status: criteria provided, single submitter. Criteria: Ambry Variant Classification Scheme 2023. Collection method: clinical testing. Allele origin: germline.

NM_006361.6(HOXB13):c.114G>C (p.Ala38=)

Gene: HOXB13 (homeobox B13; minus strand). Cytogenetic location: 17q21.32.
Variant type: single nucleotide variant.
Coding change: c.114G>C on transcript NM_006361.6 (MANE Select); coding-DNA position 114, G replaced by C.
Protein change: p.Ala38=; no amino-acid change (alanine 38 retained).
Molecular consequence: synonymous variant.
Genome position (GRCh38, 1-based): chr17:48,728,480, C>G on the plus strand (G>C on the coding strand, the complement: HOXB13 is on the minus strand). VCF-style: chr17-48728480-C-G. GRCh37 (hg19) VCF-style: chr17-46805842-C-G.
Identifiers: ClinVar variation 822260 (VCV000822260.15), dbSNP rs1597935079, ClinGen allele CA500502865.